The following is an entry in ClinVar:

ClinVar aggregate classification (germline): Benign. Review status: criteria provided, single submitter (1 of 4 stars). 2 submissions from 2 submitters: Benign (1). 1 of the submissions does not count toward it. Last evaluated 2025-05-20.

Conditions:
H6PD-related disorder. Also called: H6PD-related condition.

Allele frequency attached by ClinVar (database versions not stated): 1000 Genomes Project 0.00100; 1000 Genomes Project 30x 0.00172.
gnomAD v4.1: 675 of 1,596,986 alleles (0.042%); highest among the groups gnomAD compares: African/African-American, 0.36%; 3 homozygotes.

Submissions (3):

Labcorp Genetics (formerly Invitae), Labcorp
Classification: Benign. Last evaluated: 2025-05-20. Review status: criteria provided, single submitter. Criteria: Invitae Variant Classification Sherloc (09022015). Collection method: clinical testing. Allele origin: germline.

PreventionGenetics, part of Exact Sciences
Classification: Likely benign for H6PD-related condition. Last evaluated: 2022-01-27. Review status: no assertion criteria provided. Collection method: clinical testing. Allele origin: germline. Not counted in ClinVar's aggregate classification.
Comment: This variant is classified as likely benign based on ACMG/AMP sequence variant interpretation guidelines (Richards et al. 2015 PMID: 25741868, with internal and published modifications).

Dr. Peter K. Rogan Lab, Western University
No classification provided (evidence only). Condition: Uterine corpus endometrial carcinoma. Review status: no classification provided. Collection method: in vitro. Allele origin: not applicable. Functional consequence: retained intron. Not counted in ClinVar's aggregate classification.

NM_004285.4(H6PD):c.628-8C>G

Gene: H6PD (hexose-6-phosphate dehydrogenase/glucose 1-dehydrogenase; plus strand). Cytogenetic location: 1p36.22.
Variant type: single nucleotide variant.
Coding change: c.628-8C>G on transcript NM_004285.4 (MANE Select); 8 bases into the intron before coding-DNA position 628, C replaced by G.
Molecular consequence: intron variant.
Genome position (GRCh38, 1-based): chr1:9,246,958, C>G. VCF-style: chr1-9246958-C-G. GRCh37 (hg19) VCF-style: chr1-9307017-C-G.
Other names: c.661-8C>G (NM_001282587.2).
Identifiers: ClinVar variation 719701 (VCV000719701.12), dbSNP rs4601607, ClinGen allele CA575007.